The following is an entry in ClinVar:

NM_001029883.3(PCARE):c.1813G>A (p.Glu605Lys)

Gene: PCARE (photoreceptor cilium actin regulator; minus strand). Cytogenetic location: 2p23.2.
Variant type: single nucleotide variant.
Coding change: c.1813G>A on transcript NM_001029883.3 (MANE Select); coding-DNA position 1813, G replaced by A.
Protein change: p.Glu605Lys; replaces glutamic acid 605 with lysine.
Molecular consequence: missense variant.
Genome position (GRCh38, 1-based): chr2:29,072,449, C>T on the plus strand (G>A on the coding strand, the complement: PCARE is on the minus strand). VCF-style: chr2-29072449-C-T. GRCh37 (hg19) VCF-style: chr2-29295315-C-T.
Other names: short protein forms E605K.
Identifiers: ClinVar variation 1902662 (VCV001902662.5), dbSNP rs1667508082, ClinGen allele CA346478854.

ClinVar aggregate classification (germline): Uncertain significance (1 of 4 stars; one submission).

Allele frequency attached by ClinVar (database versions not stated): gnomAD exomes below 0.00001.
gnomAD v4.1: 1 of 1,614,218 alleles (0.000062%); highest among the groups gnomAD compares: Non-Finnish European, 0.000085%; no homozygotes.

Submission:

Labcorp Genetics (formerly Invitae), Labcorp
Classification: Uncertain significance. Last evaluated: 2022-02-22. Review status: criteria provided, single submitter. Criteria: Invitae Variant Classification Sherloc (09022015). Collection method: clinical testing. Allele origin: germline.
Comment: This variant has not been reported in the literature in individuals affected with PCARE-related conditions. In summary, the available evidence is currently insufficient to determine the role of this variant in disease. Therefore, it has been classified as a Variant of Uncertain Significance. Algorithms developed to predict the effect of missense changes on protein structure and function (SIFT, PolyPhen-2, Align-GVGD) all suggest that this variant is likely to be disruptive. This variant is not present in population databases (gnomAD no frequency). This sequence change replaces glutamic acid, which is acidic and polar, with lysine, which is basic and polar, at codon 605 of the PCARE protein (p.Glu605Lys).